The following is an entry in ClinVar:

ClinVar aggregate classification (germline): Uncertain significance. Review status: criteria provided, multiple submitters, no conflicts (2 of 4 stars). 3 submissions from 3 submitters: Uncertain significance (3). Last evaluated 2025-09-28.

Conditions:
LAMB2-related infantile-onset nephrotic syndrome. Also called: Nephrotic Syndrome, type 5; NEPHROTIC SYNDROME, TYPE 5, WITHOUT OCULAR ABNORMALITIES; NEPHROTIC SYNDROME, TYPE 5, WITH OCULAR ABNORMALITIES. Identifiers: Orphanet 306507, MedGen C3280113, MONDO:0013621, OMIM 614199.
Pierson syndrome. Also called: MICROCORIA-CONGENITAL NEPHROTIC SYNDROME. Identifiers: Orphanet 2670, MedGen C1836876, MONDO:0012184, OMIM 609049.
Inborn genetic diseases. Identifiers: MedGen C0950123, MeSH D030342.

Allele frequency attached by ClinVar (database versions not stated): TOPMed 0.00014; gnomAD 0.00022 and 0.00026; gnomAD exomes 0.00023; ExAC 0.00026; ESP Exome Variant Server 0.00031.
gnomAD v4.1: 362 of 1,614,030 alleles (0.022%); highest among the groups gnomAD compares: Non-Finnish European, 0.026%; no homozygotes.

Submissions (3):

Ambry Genetics
Classification: Uncertain significance for Inborn genetic diseases. Last evaluated: 2025-09-28. Review status: criteria provided, single submitter. Criteria: Ambry Variant Classification Scheme 2023. Collection method: clinical testing. Allele origin: germline.

Labcorp Genetics (formerly Invitae), Labcorp
Classification: Uncertain significance for LAMB2-related infantile-onset nephrotic syndrome; Pierson syndrome. Last evaluated: 2023-08-17. Review status: criteria provided, single submitter. Criteria: Invitae Variant Classification Sherloc (09022015). Collection method: clinical testing. Allele origin: germline.
Comment: In summary, the available evidence is currently insufficient to determine the role of this variant in disease. Therefore, it has been classified as a Variant of Uncertain Significance. An algorithm developed to predict the effect of missense changes on protein structure and function (PolyPhen-2) suggests that this variant¬†is likely to be tolerated. ClinVar contains an entry for this variant (Variation ID: 852849). This variant has not been reported in the literature in individuals affected with LAMB2-related conditions. This variant is present in population databases (rs148491867, gnomAD 0.04%). This sequence change replaces proline, which is neutral and non-polar, with leucine, which is neutral and non-polar, at codon 629 of the LAMB2 protein (p.Pro629Leu).

Fulgent Genetics
Classification: Uncertain significance for Pierson syndrome; LAMB2-related infantile-onset nephrotic syndrome. Last evaluated: 2022-04-19. Review status: criteria provided, single submitter. Criteria: ACMG Guidelines, 2015. Collection method: clinical testing. Allele origin: unknown.

NM_002292.4(LAMB2):c.1886C>T (p.Pro629Leu)

Gene: LAMB2 (laminin subunit beta 2; minus strand). Cytogenetic location: 3p21.31.
Variant type: single nucleotide variant.
Coding change: c.1886C>T on transcript NM_002292.4 (MANE Select); coding-DNA position 1886, C replaced by T.
Protein change: p.Pro629Leu; replaces proline 629 with leucine.
Molecular consequence: missense variant.
Genome position (GRCh38, 1-based): chr3:49,128,665, G>A on the plus strand (C>T on the coding strand, the complement: LAMB2 is on the minus strand). VCF-style: chr3-49128665-G-A. GRCh37 (hg19) VCF-style: chr3-49166098-G-A.
Other names: short protein forms P629L.
Identifiers: ClinVar variation 852849 (VCV000852849.7), dbSNP rs148491867, ClinGen allele CA2394474.